The following is an entry in ClinVar:

NM_025099.6(CTC1):c.1946-11T>G

Gene: CTC1 (CST telomere replication complex component 1; minus strand). Cytogenetic location: 17p13.1.
Variant type: single nucleotide variant.
Coding change: c.1946-11T>G on transcript NM_025099.6 (MANE Select); 11 bases into the intron before coding-DNA position 1946, T replaced by G.
Molecular consequence: intron variant.
Genome position (GRCh38, 1-based): chr17:8,232,486, A>C on the plus strand (T>G on the coding strand, the complement: CTC1 is on the minus strand). VCF-style: chr17-8232486-A-C. GRCh37 (hg19) VCF-style: chr17-8135804-A-C.
Identifiers: ClinVar variation 2080563 (VCV002080563.3), dbSNP rs372245030, ClinGen allele CA624731470.

ClinVar aggregate classification (germline): Uncertain significance (1 of 4 stars; one submission).

Conditions:
Dyskeratosis congenita. Identifiers: Orphanet 1775, MedGen C0265965, MONDO:0015780.

gnomAD v4.1: 2 of 1,610,380 alleles (0.00012%); highest among the groups gnomAD compares: Admixed American, 0.0034%; no homozygotes.

Submission:

Labcorp Genetics (formerly Invitae), Labcorp
Classification: Uncertain significance for Dyskeratosis congenita. Last evaluated: 2025-04-21. Review status: criteria provided, single submitter. Criteria: Invitae Variant Classification Sherloc (09022015). Collection method: clinical testing. Allele origin: germline.
Comment: This sequence change falls in intron 11 of the CTC1 gene. It does not directly change the encoded amino acid sequence of the CTC1 protein. This variant is present in population databases (no rsID available, gnomAD 0.003%). This variant has not been reported in the literature in individuals affected with CTC1-related conditions. ClinVar contains an entry for this variant (Variation ID: 2080563). Algorithms developed to predict the effect of sequence changes on RNA splicing suggest that this variant may create or strengthen a splice site. In summary, the available evidence is currently insufficient to determine the role of this variant in disease. Therefore, it has been classified as a Variant of Uncertain Significance.